The following is an entry in ClinVar:

NM_001374736.1(DST):c.13087C>T (p.Leu4363Phe)

Gene: DST (dystonin; minus strand). Cytogenetic location: 6p12.1.
Variant type: single nucleotide variant.
Coding change: c.13087C>T on transcript NM_001374736.1 (MANE Select); coding-DNA position 13087, C replaced by T.
Protein change: p.Leu4363Phe; replaces leucine 4363 with phenylalanine.
Molecular consequence: missense variant.
Genome position (GRCh38, 1-based): chr6:56,573,828, G>A on the plus strand (C>T on the coding strand, the complement: DST is on the minus strand). VCF-style: chr6-56573828-G-A. GRCh37 (hg19) VCF-style: chr6-56438626-G-A.
Other names: c.6730C>T, p.Leu2244Phe (NM_001144769.5); c.6316C>T, p.Leu2106Phe (NM_001144770.2); c.13087C>T, p.Leu4363Phe (NM_001374722.1); c.12454C>T, p.Leu4152Phe (NM_001374729.1); c.6196C>T, p.Leu2066Phe (NM_001374730.1, NM_001386100.1, NM_183380.4); c.13114C>T, p.Leu4372Phe (NM_001374734.1); c.5218C>T, p.Leu1740Phe (NM_015548.5); short protein forms L2244F, L4152F, L2066F, L4372F, L1740F, L2106F, L4363F.
Identifiers: ClinVar variation 1376800 (VCV001376800.4), dbSNP rs1449937505, ClinGen allele CA364528116.
Genomic context (GRCh38, chr6:56,573,828, plus strand): 5'-AGTCCAGCATTTCATCCAAGCCATCCTGCACACTCAGTGAACGGGTCAAGGTTATCTGGA[G>A]TTTTTCATTTCGTTCATTAACAGACTTGGACAGATCCTCATATCTCCCAACAATGTCATC-3'
Protein context (NP_001361665.1, residues 4353-4373): SKSVNERNEK[Leu4363Phe]QITLTRSLSV

ClinVar aggregate classification (germline): Uncertain significance (1 of 4 stars; one submission).

Conditions:
Epidermolysis bullosa simplex 3, localized or generalized intermediate, with BP230 deficiency (EBS3). Also called: Epidermolysis bullosa simplex, autosomal recessive 2; Epidermolysis bullosa simplex due to BP230 deficiency. Identifiers: Orphanet 412181, MedGen C3809470, MONDO:0014180, OMIM 615425.
Hereditary sensory and autonomic neuropathy type 6. Also called: Neuropathy, hereditary sensory and autonomic, type VI; HSAN VI. Identifiers: Orphanet 314381, MedGen C3539003, MONDO:0013839, OMIM 614653.

Allele frequency attached by ClinVar (database versions not stated): gnomAD exomes 0.00001 and 0.00002.
gnomAD v4.1: 35 of 1,613,476 alleles (0.0022%); highest among the groups gnomAD compares: Non-Finnish European, 0.0027%; no homozygotes.

Submission:

Labcorp Genetics (formerly Invitae), Labcorp
Classification: Uncertain significance for Epidermolysis bullosa simplex 3, localized or generalized intermediate, with BP230 deficiency; Hereditary sensory and autonomic neuropathy type 6. Last evaluated: 2022-07-19. Review status: criteria provided, single submitter. Criteria: Invitae Variant Classification Sherloc (09022015). Collection method: clinical testing. Allele origin: germline.
Comment: The DST gene has multiple clinically relevant transcripts. This variant occurs in alternate transcript NM_015548.4, and corresponds to NM_001723.5:c.*41689C>T in the primary transcript. This sequence change replaces leucine, which is neutral and non-polar, with phenylalanine, which is neutral and non-polar, at codon 1740 of the DST protein (p.Leu1740Phe). In summary, the available evidence is currently insufficient to determine the role of this variant in disease. Therefore, it has been classified as a Variant of Uncertain Significance. Experimental studies and prediction algorithms are not available or were not evaluated, and the functional significance of this variant is currently unknown. This variant has not been reported in the literature in individuals affected with DST-related conditions. This variant is present in population databases (no rsID available, gnomAD 0.01%).